The following is an entry in ClinVar:

NM_001330078.2(NRXN1):c.338C>G (p.Ala113Gly)

Gene: NRXN1 (neurexin 1; minus strand). Cytogenetic location: 2p16.3.
Variant type: single nucleotide variant.
Coding change: c.338C>G on transcript NM_001330078.2 (MANE Select); coding-DNA position 338, C replaced by G.
Protein change: p.Ala113Gly; replaces alanine 113 with glycine.
Molecular consequence: missense variant.
Genome position (GRCh38, 1-based): chr2:51,027,936, G>C on the plus strand (C>G on the coding strand, the complement: NRXN1 is on the minus strand). VCF-style: chr2-51027936-G-C. GRCh37 (hg19) VCF-style: chr2-51255074-G-C.
Other names: c.338C>G, p.Ala113Gly (NM_001135659.3, NM_001330077.2, NM_001330079.2 and 15 more transcripts); short protein forms A113G.
Identifiers: ClinVar variation 2901948 (VCV002901948.3), dbSNP rs201542547, ClinGen allele CA346824213.

ClinVar aggregate classification (germline): Uncertain significance (1 of 4 stars; one submission).

Conditions:
Pitt-Hopkins-like syndrome 2 (PTHSL2). Identifiers: Orphanet 221150, Orphanet 600663, MedGen C3280479, MONDO:0013690, OMIM 614325.

gnomAD v4.1: 3 of 1,604,860 alleles (0.00019%); highest among the groups gnomAD compares: Non-Finnish European, 0.00025%; no homozygotes.

Submission:

Labcorp Genetics (formerly Invitae), Labcorp
Classification: Uncertain significance for Pitt-Hopkins-like syndrome 2. Last evaluated: 2023-10-15. Review status: criteria provided, single submitter. Criteria: Invitae Variant Classification Sherloc (09022015). Collection method: clinical testing. Allele origin: germline.
Comment: This sequence change replaces alanine, which is neutral and non-polar, with glycine, which is neutral and non-polar, at codon 113 of the NRXN1 protein (p.Ala113Gly). This variant is not present in population databases (gnomAD no frequency). This variant has not been reported in the literature in individuals affected with NRXN1-related conditions. An algorithm developed to predict the effect of missense changes on protein structure and function (PolyPhen-2) suggests that this variant is likely to be tolerated. In summary, the available evidence is currently insufficient to determine the role of this variant in disease. Therefore, it has been classified as a Variant of Uncertain Significance.